The following is an entry in ClinVar:

NM_001374736.1(DST):c.13856G>A (p.Gly4619Glu)

Gene: DST (dystonin; minus strand). Cytogenetic location: 6p12.1.
Variant type: single nucleotide variant.
Coding change: c.13856G>A on transcript NM_001374736.1 (MANE Select); coding-DNA position 13856, G replaced by A.
Protein change: p.Gly4619Glu; replaces glycine 4619 with glutamic acid.
Molecular consequence: missense variant.
Genome position (GRCh38, 1-based): chr6:56,569,878, C>T on the plus strand (G>A on the coding strand, the complement: DST is on the minus strand). VCF-style: chr6-56569878-C-T. GRCh37 (hg19) VCF-style: chr6-56434676-C-T.
Other names: c.7499G>A, p.Gly2500Glu (NM_001144769.5); c.7085G>A, p.Gly2362Glu (NM_001144770.2); c.13856G>A, p.Gly4619Glu (NM_001374722.1); c.13223G>A, p.Gly4408Glu (NM_001374729.1); c.6965G>A, p.Gly2322Glu (NM_001374730.1, NM_001386100.1, NM_183380.4); c.13883G>A, p.Gly4628Glu (NM_001374734.1); c.5987G>A, p.Gly1996Glu (NM_015548.5); short protein forms G4619E, G2322E, G2500E, G4628E, G1996E, G2362E, G4408E.
Identifiers: ClinVar variation 1759178 (VCV001759178.7), dbSNP rs2535699844, ClinGen allele CA364525209.

ClinVar aggregate classification (germline): Uncertain significance. Review status: criteria provided, multiple submitters, no conflicts (2 of 4 stars). 2 submissions from 2 submitters: Uncertain significance (2). Last evaluated 2022-03-24.

Conditions:
Epidermolysis bullosa simplex 3, localized or generalized intermediate, with BP230 deficiency (EBS3). Also called: Epidermolysis bullosa simplex due to BP230 deficiency; Epidermolysis bullosa simplex, autosomal recessive 2. Identifiers: Orphanet 412181, MedGen C3809470, MONDO:0014180, OMIM 615425.
Hereditary sensory and autonomic neuropathy type 6. Also called: HSAN VI; Neuropathy, hereditary sensory and autonomic, type VI. Identifiers: Orphanet 314381, MedGen C3539003, MONDO:0013839, OMIM 614653.
Inborn genetic diseases. Identifiers: MedGen C0950123, MeSH D030342.

Allele frequency attached by ClinVar (database versions not stated): gnomAD exomes below 0.00001.
gnomAD v4.1: 2 of 1,612,012 alleles (0.00012%); highest among the groups gnomAD compares: Non-Finnish European, 0.00017%; no homozygotes.

Submissions (2):

Labcorp Genetics (formerly Invitae), Labcorp
Classification: Uncertain significance for Epidermolysis bullosa simplex 3, localized or generalized intermediate, with BP230 deficiency; Hereditary sensory and autonomic neuropathy type 6. Last evaluated: 2022-03-24. Review status: criteria provided, single submitter. Criteria: Invitae Variant Classification Sherloc (09022015). Collection method: clinical testing. Allele origin: germline.
Comment: This sequence change replaces glycine, which is neutral and non-polar, with glutamic acid, which is acidic and polar, at codon 1996 of the DST protein (p.Gly1996Glu). The DST gene has multiple clinically relevant transcripts. This variant occurs in alternate transcript NM_015548.4, and corresponds to NM_001723.5:c.*45639G>A in the primary transcript. In summary, the available evidence is currently insufficient to determine the role of this variant in disease. Therefore, it has been classified as a Variant of Uncertain Significance. Experimental studies and prediction algorithms are not available or were not evaluated, and the functional significance of this variant is currently unknown. This variant has not been reported in the literature in individuals affected with DST-related conditions. This variant is not present in population databases (gnomAD no frequency).

Ambry Genetics
Classification: Uncertain significance for Inborn genetic diseases. Last evaluated: 2020-11-04. Review status: criteria provided, single submitter. Criteria: Ambry Variant Classification Scheme 2023. Collection method: clinical testing. Allele origin: germline.
Comment: The p.G2500E variant (also known as c.7499G>A), located in coding exon 48 of the DST gene, results from a G to A substitution at nucleotide position 7499. The glycine at codon 2500 is replaced by glutamic acid, an amino acid with similar properties. This amino acid position is poorly conserved in available vertebrate species. In addition, this alteration is predicted to be tolerated by in silico analysis. Since supporting evidence is limited at this time, the clinical significance of this alteration remains unclear.